The following is an entry in ClinVar:

ClinVar aggregate classification (germline): Uncertain significance (1 of 4 stars; one submission).

Allele frequency attached by ClinVar (database versions not stated): gnomAD exomes 0.00002 and 0.00004; ExAC 0.00003; gnomAD 0.00005 and 0.00006; TOPMed 0.00006.
gnomAD v4.1: 67 of 1,614,072 alleles (0.0042%); highest among the groups gnomAD compares: Admixed American, 0.0083%; 1 homozygote.

Submission:

Labcorp Genetics (formerly Invitae), Labcorp
Classification: Uncertain significance. Last evaluated: 2024-09-09. Review status: criteria provided, single submitter. Criteria: Invitae Variant Classification Sherloc (09022015). Collection method: clinical testing. Allele origin: germline.
Comment: This sequence change replaces arginine, which is basic and polar, with glutamine, which is neutral and polar, at codon 422 of the MCM4 protein (p.Arg422Gln). This variant is present in population databases (rs767234146, gnomAD 0.005%). This variant has not been reported in the literature in individuals affected with MCM4-related conditions. ClinVar contains an entry for this variant (Variation ID: 1404000). Invitae Evidence Modeling of protein sequence and biophysical properties (such as structural, functional, and spatial information, amino acid conservation, physicochemical variation, residue mobility, and thermodynamic stability) indicates that this missense variant is not expected to disrupt MCM4 protein function with a negative predictive value of 80%. Algorithms developed to predict the effect of sequence changes on RNA splicing suggest that this variant may create or strengthen a splice site. In summary, the available evidence is currently insufficient to determine the role of this variant in disease. Therefore, it has been classified as a Variant of Uncertain Significance.

NM_182746.3(MCM4):c.1265G>A (p.Arg422Gln)

Gene: MCM4 (minichromosome maintenance complex component 4; plus strand). Cytogenetic location: 8q11.21.
Variant type: single nucleotide variant.
Coding change: c.1265G>A on transcript NM_182746.3 (MANE Select); coding-DNA position 1265, G replaced by A.
Protein change: p.Arg422Gln; replaces arginine 422 with glutamine.
Molecular consequence: missense variant.
Genome position (GRCh38, 1-based): chr8:47,969,888, G>A. VCF-style: chr8-47969888-G-A. GRCh37 (hg19) VCF-style: chr8-48882448-G-A.
Other names: c.1265G>A, p.Arg422Gln (NM_005914.4); short protein forms R422Q.
Identifiers: ClinVar variation 1404000 (VCV001404000.4), dbSNP rs767234146, ClinGen allele CA4742576.